The following is an entry in ClinVar:

ClinVar aggregate classification (germline): Uncertain significance (1 of 4 stars; one submission).

Allele frequency attached by ClinVar (database versions not stated): gnomAD exomes below 0.00001; gnomAD 0.00001; TOPMed 0.00001.
gnomAD v4.1: 6 of 1,612,838 alleles (0.00037%); highest among the groups gnomAD compares: South Asian, 0.0033%; no homozygotes.

Submission:

Labcorp Genetics (formerly Invitae), Labcorp
Classification: Uncertain significance. Last evaluated: 2024-02-23. Review status: criteria provided, single submitter. Criteria: Invitae Variant Classification Sherloc (09022015). Collection method: clinical testing. Allele origin: germline.
Comment: This sequence change replaces threonine, which is neutral and polar, with asparagine, which is neutral and polar, at codon 97 of the IL12RB2 protein (p.Thr97Asn). This variant is present in population databases (no rsID available, gnomAD 0.0009%). This variant has not been reported in the literature in individuals affected with IL12RB2-related conditions. ClinVar contains an entry for this variant (Variation ID: 1974090). An algorithm developed to predict the effect of missense changes on protein structure and function (PolyPhen-2) suggests that this variant is likely to be disruptive. In summary, the available evidence is currently insufficient to determine the role of this variant in disease. Therefore, it has been classified as a Variant of Uncertain Significance.

NM_001374259.2(IL12RB2):c.290C>A (p.Thr97Asn)

Gene: IL12RB2 (interleukin 12 receptor subunit beta 2; plus strand). Cytogenetic location: 1p31.3.
Variant type: single nucleotide variant.
Coding change: c.290C>A on transcript NM_001374259.2 (MANE Select); coding-DNA position 290, C replaced by A.
Protein change: p.Thr97Asn; replaces threonine 97 with asparagine.
Molecular consequence: missense variant. On other transcripts: non-coding transcript variant (2).
Genome position (GRCh38, 1-based): chr1:67,321,815, C>A. VCF-style: chr1-67321815-C-A. GRCh37 (hg19) VCF-style: chr1-67787498-C-A.
Other names: c.290C>A, p.Thr97Asn (NM_001258214.1, NM_001258215.1, NM_001258216.1 and 2 more transcripts); short protein forms T97N.
Identifiers: ClinVar variation 1974090 (VCV001974090.5), dbSNP rs1384659236, ClinGen allele CA340730793.
Genomic context (GRCh38, chr1:67,321,815, plus strand): 5'-TCAATTTTCACCATGGCCACTCCCTCAATTCTCAAGTCACAGGTCTTCCCCTTGGTACAA[C>A]CTTGTTTGTCTGCAAACTGGCCTGTATCAATAGTGATGAAATTCAAATATGTGGAGCAGA-3'
Protein context (NP_001361188.1, residues 87-107): SQVTGLPLGT[Thr97Asn]LFVCKLACIN